The following is an entry in ClinVar:

ClinVar aggregate classification (germline): Conflicting classifications of pathogenicity. Review status: criteria provided, conflicting classifications (1 of 4 stars). 5 submissions from 5 submitters: Uncertain significance (2); Likely benign (2). 1 of the submissions does not count toward it. Last evaluated 2026-04-14.

Conditions:
ABCB11-related disorder. Also called: ABCB11-related condition.
Familial intrahepatic cholestasis. Identifiers: Orphanet 284385, MedGen CN296401, MONDO:0017290.

Allele frequency attached by ClinVar (database versions not stated): TOPMed 0.00011; ESP Exome Variant Server 0.00034.
gnomAD v4.1: 28 of 1,612,196 alleles (0.0017%); highest among the groups gnomAD compares: African/African-American, 0.037%; no homozygotes.

Submissions (5):

Genomenon, Inc
Classification: Likely benign for Familial intrahepatic cholestasis. Last evaluated: 2026-04-14. Review status: criteria provided, single submitter. Criteria: Genomenon Sequence Variant Interpretation Standards - Updated. Collection method: curation. Allele origin: germline. Affected: no.
Comment: ABCB11 c.585G>C is a synonymous variant that retains Valine at residue 195. This variant has been reported in the published literature (PMID:20010382;22795478). It is absent or not present at a significant frequency in gnomAD. This synonymous variant is not predicted to impact splicing. In conclusion, we classify ABCB11 p.Val195= (c.585G>C) as a likely benign variant.

Labcorp Genetics (formerly Invitae), Labcorp
Classification: Likely benign. Last evaluated: 2024-01-31. Review status: criteria provided, single submitter. Criteria: Invitae Variant Classification Sherloc (09022015). Collection method: clinical testing. Allele origin: germline.

Revvity Omics, Revvity
Classification: Uncertain significance. Last evaluated: 2021-04-21. Review status: criteria provided, single submitter. Criteria: ACMG Guidelines, 2015. Collection method: clinical testing. Allele origin: germline.

Eurofins Ntd Llc (ga)
Classification: Uncertain significance. Last evaluated: 2018-08-03. Review status: criteria provided, single submitter. Criteria: EGL ClinVar v180209 classification definitions. Collection method: clinical testing. Allele origin: germline. Observed: 2 variant alleles, 2 heterozygotes.

PreventionGenetics, part of Exact Sciences
Classification: Likely benign for ABCB11-related condition. Last evaluated: 2024-09-16. Review status: no assertion criteria provided. Collection method: clinical testing. Allele origin: germline. Not counted in ClinVar's aggregate classification.
Comment: This variant is classified as likely benign based on ACMG/AMP sequence variant interpretation guidelines (Richards et al. 2015 PMID: 25741868, with internal and published modifications).

Literature cited by the submitters: PubMed 20010382 (cited by Genomenon, Inc); PubMed 22795478 (cited by Genomenon, Inc).

NM_003742.4(ABCB11):c.585G>C (p.Val195=)

Gene: ABCB11 (ATP binding cassette subfamily B member 11; minus strand). Cytogenetic location: 2q31.1.
Variant type: single nucleotide variant.
Coding change: c.585G>C on transcript NM_003742.4 (MANE Select); coding-DNA position 585, G replaced by C.
Protein change: p.Val195=; no amino-acid change (valine 195 retained).
Molecular consequence: synonymous variant.
Genome position (GRCh38, 1-based): chr2:168,995,375, C>G on the plus strand (G>C on the coding strand, the complement: ABCB11 is on the minus strand). VCF-style: chr2-168995375-C-G. GRCh37 (hg19) VCF-style: chr2-169851885-C-G.
Other names: c.585G>C (NM_003742.2); c.585G>C, p.Val195= (LRG_1199t1).
Identifiers: ClinVar variation 597930 (VCV000597930.18), dbSNP rs11568365, ClinGen allele CA1951844.
Genomic context (GRCh38, chr2:168,995,375, plus strand): 5'-CACACACTAAAATACTGTTTTACCAGCTACTTACTCAGAGAATCTTGTATTCAGCTCCCC[C>G]ACTGAATTGCAGTCAAACCACCCTATTTCCATTCTCATTATTCTCCTAAAGTAAAATTTT-3'
Protein context (NP_003733.2, residues 185-205): MEIGWFDCNS[Val195=]GELNTRFSDD